The following is an entry in ClinVar:

ClinVar aggregate classification (germline): Uncertain significance (0 of 4 stars; one submission).

Conditions:
NOTCH1-related disorder. Also called: NOTCH1-related condition; NOTCH1-related disorders.

Submission:

PreventionGenetics, part of Exact Sciences
Classification: Uncertain significance for NOTCH1-related condition. Last evaluated: 2024-08-06. Review status: no assertion criteria provided. Collection method: clinical testing. Allele origin: germline.
Comment: The NOTCH1 c.817G>A variant is predicted to result in the amino acid substitution p.Val273Met. To our knowledge, this variant has not been reported in the literature or in a large population database, indicating this variant is rare. At this time, the clinical significance of this variant is uncertain due to the absence of conclusive functional and genetic evidence.

NM_017617.5(NOTCH1):c.817G>A (p.Val273Met)

Gene: NOTCH1 (notch receptor 1; minus strand). Cytogenetic location: 9q34.3.
Variant type: single nucleotide variant.
Coding change: c.817G>A on transcript NM_017617.5 (MANE Select); coding-DNA position 817, G replaced by A.
Protein change: p.Val273Met; replaces valine 273 with methionine.
Molecular consequence: missense variant.
Genome position (GRCh38, 1-based): chr9:136,519,491, C>T on the plus strand (G>A on the coding strand, the complement: NOTCH1 is on the minus strand). VCF-style: chr9-136519491-C-T. GRCh37 (hg19) VCF-style: chr9-139413943-C-T.
Other names: short protein forms V273M.
Identifiers: ClinVar variation 3347089 (VCV003347089.1).